The following is an entry in ClinVar:

NM_005228.5(EGFR):c.2431T>G (p.Ser811Ala)

Genes: EGFR (epidermal growth factor receptor; plus strand), EGFR-AS1 (EGFR antisense RNA 1; minus strand). Cytogenetic location: 7p11.2.
Variant type: single nucleotide variant.
Coding change: c.2431T>G on transcript NM_005228.5 (MANE Select); coding-DNA position 2431, T replaced by G.
Protein change: p.Ser811Ala; replaces serine 811 with alanine.
Molecular consequence: missense variant. On other transcripts: non-coding transcript variant (1).
Genome position (GRCh38, 1-based): chr7:55,181,440, T>G. VCF-style: chr7-55181440-T-G. GRCh37 (hg19) VCF-style: chr7-55249133-T-G.
Other names: c.2296T>G, p.Ser766Ala (NM_001346897.2, NM_001346899.2); c.2431T>G, p.Ser811Ala (NM_001346898.2); c.2272T>G, p.Ser758Ala (NM_001346900.2); c.1630T>G, p.Ser544Ala (NM_001346941.2); short protein forms S811A, S544A, S758A, S766A.
Identifiers: ClinVar variation 2765074 (VCV002765074.3), dbSNP rs2128958798, ClinGen allele CA367578988.

ClinVar aggregate classification (germline): Uncertain significance (1 of 4 stars; one submission).

Conditions:
EGFR-related lung cancer (EGFR). Identifiers: MedGen CN130014.

Submission:

Labcorp Genetics (formerly Invitae), Labcorp
Classification: Uncertain significance for EGFR-related lung cancer. Last evaluated: 2023-10-04. Review status: criteria provided, single submitter. Criteria: Invitae Variant Classification Sherloc (09022015). Collection method: clinical testing. Allele origin: germline.
Comment: This sequence change replaces serine, which is neutral and polar, with alanine, which is neutral and non-polar, at codon 811 of the EGFR protein (p.Ser811Ala). This variant is not present in population databases (gnomAD no frequency). This variant has not been reported in the literature in individuals affected with EGFR-related conditions. Advanced modeling of protein sequence and biophysical properties (such as structural, functional, and spatial information, amino acid conservation, physicochemical variation, residue mobility, and thermodynamic stability) performed at Invitae indicates that this missense variant is not expected to disrupt EGFR protein function. In summary, the available evidence is currently insufficient to determine the role of this variant in disease. Therefore, it has been classified as a Variant of Uncertain Significance.